The following is an entry in ClinVar:

ClinVar aggregate classification (germline): Uncertain significance (1 of 4 stars; one submission).

Conditions:
Malignant hyperthermia, susceptibility to, 5 (MHS5). Also called: CACNA1S-Related Malignant Hyperthermia Susceptibility. Identifiers: Orphanet 423, MedGen C1866077, MONDO:0011163, OMIM 601887.

Allele frequency attached by ClinVar (database versions not stated): TOPMed 0.00001.

Submission:

All of Us Research Program, National Institutes of Health
Classification: Uncertain significance for Malignant hyperthermia, susceptibility to, 5. Last evaluated: 2023-03-04. Review status: criteria provided, single submitter. Criteria: ACMG Guidelines, 2015. Collection method: clinical testing. Allele origin: germline. Inheritance: Autosomal dominant inheritance. Observed: 1 variant allele, 1 heterozygote.
Comment: This study involves interpretation of variants in research participants for the purpose of population health screening. Participant phenotype was not available at the time of variant classification. Additional details can be found in publication PMID: 35346344, PMCID: PMC8962531

NM_000069.3(CACNA1S):c.398+1G>A

Gene: CACNA1S (calcium voltage-gated channel subunit alpha1 S; minus strand). Cytogenetic location: 1q32.1.
Variant type: single nucleotide variant.
Coding change: c.398+1G>A on transcript NM_000069.3 (MANE Select); the canonical splice donor site of the intron after coding-DNA position 398, G replaced by A.
Molecular consequence: splice donor variant.
Genome position (GRCh38, 1-based): chr1:201,093,881, C>T on the plus strand (G>A on the coding strand, the complement: CACNA1S is on the minus strand). VCF-style: chr1-201093881-C-T. GRCh37 (hg19) VCF-style: chr1-201063009-C-T.
Identifiers: ClinVar variation 3069436 (VCV003069436.1), dbSNP rs1662321911, ClinGen allele CA344144013.